The following is an entry in ClinVar:

NM_004284.6(CHD1L):c.1782A>T (p.Gln594His)

Gene: CHD1L (chromodomain helicase DNA binding protein 1 like; plus strand). Cytogenetic location: 1q21.1.
Variant type: single nucleotide variant.
Coding change: c.1782A>T on transcript NM_004284.6 (MANE Select); coding-DNA position 1782, A replaced by T.
Protein change: p.Gln594His; replaces glutamine 594 with histidine.
Molecular consequence: missense variant. On other transcripts: non-coding transcript variant (16).
Genome position (GRCh38, 1-based): chr1:147,284,427, A>T. VCF-style: chr1-147284427-A-T. GRCh37 (hg19) VCF-style: chr1-146756100-A-T.
Other names: c.1482A>T, p.Gln494His (NM_001256336.3); c.939A>T, p.Gln313His (NM_001256337.3, NM_001348456.2, NM_001348457.2 and 9 more transcripts); c.1170A>T, p.Gln390His (NM_001256338.3); c.1566A>T, p.Gln522His (NM_001348451.2, NM_001348452.2); c.1443A>T, p.Gln481His (NM_001348453.2, NM_024568.4); c.1326A>T, p.Gln442His (NM_001348454.2); c.1293A>T, p.Gln431His (NM_001348455.2); short protein forms Q313H, Q390H, Q431H, Q442H, Q481H, Q494H, Q522H, Q594H.
Identifiers: ClinVar variation 2633817 (VCV002633817.1), dbSNP rs781926264, ClinGen allele CA1063834.

ClinVar aggregate classification (germline): Uncertain significance (1 of 4 stars; one submission).

Conditions:
CHD1L-related disorder. Also called: CHD1L-related condition.

Allele frequency attached by ClinVar (database versions not stated): TOPMed 0.00003; ExAC 0.00005; gnomAD 0.00005; gnomAD exomes 0.00007.
gnomAD v4.1: 109 of 1,612,508 alleles (0.0068%); highest among the groups gnomAD compares: Non-Finnish European, 0.009%; no homozygotes.

Submission:

PreventionGenetics, part of Exact Sciences
Classification: Uncertain significance for CHD1L-related condition. Last evaluated: 2023-07-13. Review status: criteria provided, single submitter. Criteria: ACMG Guidelines, 2015. Collection method: clinical testing. Allele origin: germline.
Comment: The CHD1L c.1782A>T variant is predicted to result in the amino acid substitution p.Gln594His. To our knowledge, this variant has not been reported in the literature. This variant is reported in 0.010% of alleles in individuals of European (Non-Finnish) descent in gnomAD. At this time, the clinical significance of this variant is uncertain due to the absence of conclusive functional and genetic evidence.